The following is an entry in ClinVar:

ClinVar aggregate classification (germline): Uncertain significance (1 of 4 stars; one submission).

Conditions:
Congenital sideroblastic anemia-B-cell immunodeficiency-periodic fever-developmental delay syndrome. Also called: Sideroblastic anemia with B-cell immunodeficiency, periodic fevers, and developmental delay. Identifiers: Orphanet 369861, MedGen C4015172, MONDO:0014487, OMIM 616084.

Submission:

Labcorp Genetics (formerly Invitae), Labcorp
Classification: Uncertain significance for Congenital sideroblastic anemia-B-cell immunodeficiency-periodic fever-developmental delay syndrome. Last evaluated: 2024-02-26. Review status: criteria provided, single submitter. Criteria: Invitae Variant Classification Sherloc (09022015). Collection method: clinical testing. Allele origin: germline.
Comment: This sequence change replaces isoleucine, which is neutral and non-polar, with lysine, which is basic and polar, at codon 351 of the TRNT1 protein (p.Ile351Lys). This variant is not present in population databases (gnomAD no frequency). This variant has not been reported in the literature in individuals affected with TRNT1-related conditions. ClinVar contains an entry for this variant (Variation ID: 1392639). Advanced modeling of protein sequence and biophysical properties (such as structural, functional, and spatial information, amino acid conservation, physicochemical variation, residue mobility, and thermodynamic stability) performed at Invitae indicates that this missense variant is not expected to disrupt TRNT1 protein function with a negative predictive value of 80%. In summary, the available evidence is currently insufficient to determine the role of this variant in disease. Therefore, it has been classified as a Variant of Uncertain Significance.

NM_182916.3(TRNT1):c.1052T>A (p.Ile351Lys)

Gene: TRNT1 (tRNA nucleotidyl transferase 1; plus strand). Cytogenetic location: 3p26.2.
Variant type: single nucleotide variant.
Coding change: c.1052T>A on transcript NM_182916.3 (MANE Select); coding-DNA position 1052, T replaced by A.
Protein change: p.Ile351Lys; replaces isoleucine 351 with lysine.
Molecular consequence: missense variant. On other transcripts: non-coding transcript variant (8).
Genome position (GRCh38, 1-based): chr3:3,147,699, T>A. VCF-style: chr3-3147699-T-A. GRCh37 (hg19) VCF-style: chr3-3189383-T-A.
Other names: c.992T>A, p.Ile331Lys (NM_001302946.2); c.1052T>A, p.Ile351Lys (NM_001367321.1, NM_001367322.1, NM_001367323.1); short protein forms I351K, I331K.
Identifiers: ClinVar variation 1392639 (VCV001392639.8), dbSNP rs2126037168, ClinGen allele CA351448406.